The following is an entry in ClinVar:

NM_001447.3(FAT2):c.2975G>A (p.Arg992Gln)

Gene: FAT2 (FAT atypical cadherin 2; minus strand). Cytogenetic location: 5q33.1.
Variant type: single nucleotide variant.
Coding change: c.2975G>A on transcript NM_001447.3 (MANE Select); coding-DNA position 2975, G replaced by A.
Protein change: p.Arg992Gln; replaces arginine 992 with glutamine.
Molecular consequence: missense variant.
Genome position (GRCh38, 1-based): chr5:151,565,957, C>T on the plus strand (G>A on the coding strand, the complement: FAT2 is on the minus strand). VCF-style: chr5-151565957-C-T. GRCh37 (hg19) VCF-style: chr5-150945518-C-T.
Other names: c.2975G>A (NM_001447.2); short protein forms R992Q.
Identifiers: ClinVar variation 2017638 (VCV002017638.6), dbSNP rs3734056, ClinGen allele CA3521949.

ClinVar aggregate classification (germline): Benign. Review status: criteria provided, single submitter (1 of 4 stars). 2 submissions from 2 submitters: Benign (1). 1 of the submissions does not count toward it. Last evaluated 2026-01-12.

Conditions:
FAT2-related disorder. Also called: FAT2-related condition.

Allele frequency attached by ClinVar (database versions not stated): ESP Exome Variant Server 0.00038; ExAC 0.01018; 1000 Genomes Project 30x 0.01640; gnomAD exomes 0.00394; TOPMed 0.00988; gnomAD 0.00679; 1000 Genomes Project 0.01717.
gnomAD v4.1: 6,803 of 1,613,992 alleles (0.42%); highest among the groups gnomAD compares: East Asian, 6.4%; 224 homozygotes.

Submissions (2):

Labcorp Genetics (formerly Invitae), Labcorp
Classification: Benign. Last evaluated: 2026-01-12. Review status: criteria provided, single submitter. Criteria: Invitae Variant Classification Sherloc (09022015). Collection method: clinical testing. Allele origin: germline.

PreventionGenetics, part of Exact Sciences
Classification: Benign for FAT2-related condition. Last evaluated: 2019-11-25. Review status: no assertion criteria provided. Collection method: clinical testing. Allele origin: germline. Not counted in ClinVar's aggregate classification.
Comment: This variant is classified as benign based on ACMG/AMP sequence variant interpretation guidelines (Richards et al. 2015 PMID: 25741868, with internal and published modifications).